The following is an entry in ClinVar:

NM_000195.5(HPS1):c.10G>A (p.Val4Ile)

Gene: HPS1 (HPS1 biogenesis of lysosomal organelles complex 3 subunit 1; minus strand). Cytogenetic location: 10q24.2.
Variant type: single nucleotide variant.
Coding change: c.10G>A on transcript NM_000195.5 (MANE Select); coding-DNA position 10, G replaced by A.
Protein change: p.Val4Ile; replaces valine 4 with isoleucine.
Molecular consequence: missense variant. On other transcripts: 5 prime UTR variant (6).
Genome position (GRCh38, 1-based): chr10:98,443,231, C>T on the plus strand (G>A on the coding strand, the complement: HPS1 is on the minus strand). VCF-style: chr10-98443231-C-T. GRCh37 (hg19) VCF-style: chr10-100202988-C-T.
Other names: c.-907G>A (NM_001311345.2); c.10G>A, p.Val4Ile (NM_001322476.2, NM_001322477.2, NM_001322478.2 and 8 more transcripts); c.-217G>A (NM_001322483.2, NM_001322484.2, NM_001322485.2); c.-1006G>A (NM_001322487.2); c.-764G>A (NM_001322489.2); short protein forms V4I.
Identifiers: ClinVar variation 2027364 (VCV002027364.2), dbSNP rs370167200, ClinGen allele CA5639537.

ClinVar aggregate classification (germline): Uncertain significance. Review status: criteria provided, multiple submitters, no conflicts (2 of 4 stars). 2 submissions from 2 submitters: Uncertain significance (2). Last evaluated 2024-01-22.

Conditions:
Hermansky-Pudlak syndrome 1 (HPS1). Also called: DELTA STORAGE POOL DISEASE. Identifiers: Orphanet 231500, Orphanet 79430, MedGen C2931875, MONDO:0008748, OMIM 203300.

Allele frequency attached by ClinVar (database versions not stated): ExAC 0.00002; gnomAD 0.00003; TOPMed 0.00006.
gnomAD v4.1: 36 of 1,613,250 alleles (0.0022%); highest among the groups gnomAD compares: Middle Eastern, 0.13%; no homozygotes.

Submissions (2):

Fulgent Genetics
Classification: Uncertain significance for Hermansky-Pudlak syndrome 1. Last evaluated: 2024-01-22. Review status: criteria provided, single submitter. Criteria: ACMG Guidelines, 2015. Collection method: clinical testing. Allele origin: germline.

Labcorp Genetics (formerly Invitae), Labcorp
Classification: Uncertain significance. Last evaluated: 2021-12-26. Review status: criteria provided, single submitter. Criteria: Invitae Variant Classification Sherloc (09022015). Collection method: clinical testing. Allele origin: germline.
Comment: This sequence change replaces valine, which is neutral and non-polar, with isoleucine, which is neutral and non-polar, at codon 4 of the HPS1 protein (p.Val4Ile). This variant is present in population databases (rs370167200, gnomAD 0.01%). This variant has not been reported in the literature in individuals affected with HPS1-related conditions. Algorithms developed to predict the effect of missense changes on protein structure and function output the following: SIFT: "Tolerated"; PolyPhen-2: "Benign"; Align-GVGD: "Class C0". The isoleucine amino acid residue is found in multiple mammalian species, which suggests that this missense change does not adversely affect protein function. In summary, the available evidence is currently insufficient to determine the role of this variant in disease. Therefore, it has been classified as a Variant of Uncertain Significance.